The following is an entry in ClinVar:

NM_012401.4(PLXNB2):c.162C>T (p.Leu54=)

Gene: PLXNB2 (plexin B2; minus strand). Cytogenetic location: 22q13.33.
Variant type: single nucleotide variant.
Coding change: c.162C>T on transcript NM_012401.4 (MANE Select); coding-DNA position 162, C replaced by T.
Protein change: p.Leu54=; no amino-acid change (leucine 54 retained).
Molecular consequence: synonymous variant.
Genome position (GRCh38, 1-based): chr22:50,290,423, G>A on the plus strand (C>T on the coding strand, the complement: PLXNB2 is on the minus strand). VCF-style: chr22-50290423-G-A. GRCh37 (hg19) VCF-style: chr22-50728852-G-A.
Other names: c.162C>T, p.Leu54= (NM_001376864.1, NM_001376865.1, NM_001376866.1 and 20 more transcripts).
Identifiers: ClinVar variation 2653379 (VCV002653379.24), dbSNP rs769359214, ClinGen allele CA10313648.

ClinVar aggregate classification (germline): Likely benign (1 of 4 stars; one submission).

Allele frequency attached by ClinVar (database versions not stated): gnomAD exomes below 0.00001; ExAC 0.00001.
gnomAD v4.1: 2 of 1,612,990 alleles (0.00012%); highest among the groups gnomAD compares: Non-Finnish European, 0.00017%; no homozygotes.

Submission:

CeGaT Center for Human Genetics Tuebingen
Classification: Likely benign. Last evaluated: 2022-06-01. Review status: criteria provided, single submitter. Criteria: CeGaT Center For Human Genetics Tuebingen Variant Classification Criteria Version 2. Collection method: clinical testing. Allele origin: germline. Affected: yes. Observed: 1 variant allele.
Comment: PLXNB2: BP4, BP7